The following is an entry in ClinVar:

NM_014795.4(ZEB2):c.2390A>G (p.His797Arg)

Gene: ZEB2 (zinc finger E-box binding homeobox 2; minus strand). Cytogenetic location: 2q22.3.
Variant type: single nucleotide variant.
Coding change: c.2390A>G on transcript NM_014795.4 (MANE Select); coding-DNA position 2390, A replaced by G.
Protein change: p.His797Arg; replaces histidine 797 with arginine.
Molecular consequence: missense variant.
Genome position (GRCh38, 1-based): chr2:144,398,797, T>C on the plus strand (A>G on the coding strand, the complement: ZEB2 is on the minus strand). VCF-style: chr2-144398797-T-C. GRCh37 (hg19) VCF-style: chr2-145156364-T-C.
Other names: c.2318A>G, p.His773Arg (NM_001171653.2); short protein forms H797R, H773R.
Identifiers: ClinVar variation 569903 (VCV000569903.15), dbSNP rs201227541, ClinGen allele CA1898250.

ClinVar aggregate classification (germline): Conflicting classifications of pathogenicity. Review status: criteria provided, conflicting classifications (1 of 4 stars). 5 submissions from 5 submitters: Uncertain significance (3); Likely benign (2). Last evaluated 2026-02-17.

Conditions:
Inborn genetic diseases. Identifiers: MedGen C0950123, MeSH D030342.
Mowat-Wilson syndrome (MOWS). Also called: Classic Mowat-Wilson Syndrome. Identifiers: Orphanet 2152, MedGen C1856113, MONDO:0009341, OMIM 235730.

Allele frequency attached by ClinVar (database versions not stated): ExAC 0.00002; gnomAD 0.00001; gnomAD exomes 0.00001; TOPMed 0.00001.
gnomAD v4.1: 9 of 1,613,930 alleles (0.00056%); highest among the groups gnomAD compares: Non-Finnish European, 0.00076%; no homozygotes.

Submissions (5):

Women's Health and Genetics/Laboratory Corporation of America, LabCorp
Classification: Uncertain significance. Last evaluated: 2026-02-17. Review status: criteria provided, single submitter. Criteria: LabCorp Variant Classification Summary - May 2015. Collection method: clinical testing. Allele origin: germline.
Comment: Variant summary: ZEB2 c.2390A>G (p.His797Arg) results in a non-conservative amino acid change in the encoded protein sequence. Algorithms developed to predict the effect of missense changes on protein structure and function are either unavailable or do not agree on the potential impact of this missense change. The variant allele was found at a frequency of 8e-06 in 250824 control chromosomes. The available data on variant occurrences in the general population are insufficient to allow any conclusion about variant significance. c.2390A>G has been observed in at least one individual with pulmonary valve stenosis, without strong evidence of causality (example: Sierant_2025). This report does not provide unequivocal conclusions about association of the variant with Mowat-Wilson Syndrome. To our knowledge, no experimental evidence demonstrating an impact on protein function has been reported. The following publication has been ascertained in the context of this evaluation (PMID: 40127276). ClinVar contains an entry for this variant (Variation ID: 569903). Based on the evidence outlined above, the variant was classified as uncertain significance.

Labcorp Genetics (formerly Invitae), Labcorp
Classification: Likely benign for Mowat-Wilson syndrome. Last evaluated: 2024-11-25. Review status: criteria provided, single submitter. Criteria: Invitae Variant Classification Sherloc (09022015). Collection method: clinical testing. Allele origin: germline.

Ambry Genetics
Classification: Likely benign for Inborn genetic diseases. Last evaluated: 2023-04-04. Review status: criteria provided, single submitter. Criteria: Ambry Variant Classification Scheme 2023. Collection method: clinical testing. Allele origin: germline.

Genome-Nilou Lab
Classification: Uncertain significance for Mowat-Wilson syndrome. Last evaluated: 2021-11-07. Review status: criteria provided, single submitter. Criteria: ACMG Guidelines, 2015. Collection method: clinical testing. Allele origin: germline. Affected: no.

Athena Diagnostics
Classification: Uncertain significance. Last evaluated: 2017-09-14. Review status: criteria provided, single submitter. Criteria: Athena Diagnostics Criteria. Collection method: clinical testing. Allele origin: germline.

Literature cited by the submitters: PubMed 40127276 (cited by Women's Health and Genetics/Laboratory Corporation of America, LabCorp).